The following is an entry in ClinVar:

ClinVar aggregate classification (germline): Likely benign (1 of 4 stars; one submission).

Allele frequency attached by ClinVar (database versions not stated): 1000 Genomes Project 30x 0.00094; 1000 Genomes Project 0.00120; ESP Exome Variant Server 0.00630.
gnomAD v4.1: 13,296 of 1,557,568 alleles (0.85%); highest among the groups gnomAD compares: Non-Finnish European, 0.99%; 65 homozygotes.

Submission:

CeGaT Center for Human Genetics Tuebingen
Classification: Likely benign. Last evaluated: 2026-08-01. Review status: criteria provided, single submitter. Criteria: CeGaT Center For Human Genetics Tuebingen Variant Classification Criteria Version 2. Collection method: clinical testing. Allele origin: germline. Affected: yes. Observed: 7 variant alleles.
Comment: SPEF2: BP4, BS2

NM_024867.4(SPEF2):c.988C>A (p.Arg330=)

Gene: SPEF2 (sperm flagellar and cilia associated 2; plus strand). Cytogenetic location: 5p13.2.
Variant type: single nucleotide variant.
Coding change: c.988C>A on transcript NM_024867.4 (MANE Select); coding-DNA position 988, C replaced by A.
Protein change: p.Arg330=; no amino-acid change (arginine 330 retained).
Molecular consequence: synonymous variant.
Genome position (GRCh38, 1-based): chr5:35,659,028, C>A. VCF-style: chr5-35659028-C-A. GRCh37 (hg19) VCF-style: chr5-35659130-C-A.
Other names: c.988C>A, p.Arg330= (NM_144722.4).
Identifiers: ClinVar variation 2655397 (VCV002655397.24), dbSNP rs142277796, ClinGen allele CA3230338.